The following is an entry in ClinVar:

NM_020964.3(EPG5):c.4312G>A (p.Val1438Met)

Gene: EPG5 (ectopic P-granules 5 autophagy tethering factor; minus strand). Cytogenetic location: 18q21.1.
Variant type: single nucleotide variant.
Coding change: c.4312G>A on transcript NM_020964.3 (MANE Select); coding-DNA position 4312, G replaced by A.
Protein change: p.Val1438Met; replaces valine 1438 with methionine.
Molecular consequence: missense variant.
Genome position (GRCh38, 1-based): chr18:45,907,975, C>T on the plus strand (G>A on the coding strand, the complement: EPG5 is on the minus strand). VCF-style: chr18-45907975-C-T. GRCh37 (hg19) VCF-style: chr18-43487940-C-T.
Other names: short protein forms V1438M.
Identifiers: ClinVar variation 1525182 (VCV001525182.9), dbSNP rs779984615, ClinGen allele CA8948915.

ClinVar aggregate classification (germline): Uncertain significance (1 of 4 stars; one submission).

Conditions:
Vici syndrome (VICIS). Identifiers: Orphanet 1493, MedGen C1855772, MONDO:0009452, OMIM 242840.

Allele frequency attached by ClinVar (database versions not stated): gnomAD exomes below 0.00001; ExAC 0.00001.
gnomAD v4.1: 2 of 1,561,386 alleles (0.00013%); highest among the groups gnomAD compares: Non-Finnish European, 0.00017%; no homozygotes.

Submission:

Labcorp Genetics (formerly Invitae), Labcorp
Classification: Uncertain significance for Vici syndrome. Last evaluated: 2022-02-05. Review status: criteria provided, single submitter. Criteria: Invitae Variant Classification Sherloc (09022015). Collection method: clinical testing. Allele origin: germline.
Comment: In summary, the available evidence is currently insufficient to determine the role of this variant in disease. Therefore, it has been classified as a Variant of Uncertain Significance. Algorithms developed to predict the effect of missense changes on protein structure and function are either unavailable or do not agree on the potential impact of this missense change (SIFT: "Deleterious"; PolyPhen-2: "Probably Damaging"; Align-GVGD: "Class C0"). This variant has not been reported in the literature in individuals affected with EPG5-related conditions. This variant is present in population databases (rs779984615, gnomAD 0.001%). This sequence change replaces valine, which is neutral and non-polar, with methionine, which is neutral and non-polar, at codon 1438 of the EPG5 protein (p.Val1438Met).